The following is an entry in ClinVar:

NM_015466.4(PTPN23):c.3452G>T (p.Gly1151Val)

Gene: PTPN23 (protein tyrosine phosphatase non-receptor type 23; plus strand). Cytogenetic location: 3p21.31.
Variant type: single nucleotide variant.
Coding change: c.3452G>T on transcript NM_015466.4 (MANE Select); coding-DNA position 3452, G replaced by T.
Protein change: p.Gly1151Val; replaces glycine 1151 with valine.
Molecular consequence: missense variant.
Genome position (GRCh38, 1-based): chr3:47,411,250, G>T. VCF-style: chr3-47411250-G-T. GRCh37 (hg19) VCF-style: chr3-47452740-G-T.
Other names: c.3452G>T (NM_015466.2); c.3074G>T, p.Gly1025Val (NM_001304482.2); short protein forms G1151V, G1025V.
Identifiers: ClinVar variation 2096436 (VCV002096436.7), dbSNP rs2546253585, ClinGen allele CA352562324.
Genomic context (GRCh38, chr3:47,411,250, plus strand): 5'-CTCAGTCTCCTGGGGGTGGGCAGCCCCTGCTGCAGCCCACCAAGGTGGATGCAGCTGAGG[G>T]TCGTCGGCCGCAGGCCCTGCGGCTGATTGAGCGGGACCCCTATGAGCATCCTGAGAGGCT-3'
Protein context (NP_056281.1, residues 1141-1161): LQPTKVDAAE[Gly1151Val]RRPQALRLIE

ClinVar aggregate classification (germline): Uncertain significance. Review status: criteria provided, multiple submitters, no conflicts (2 of 4 stars). 2 submissions from 2 submitters: Uncertain significance (2). Last evaluated 2025-10-28.

Conditions:
Inborn genetic diseases. Identifiers: MedGen C0950123, MeSH D030342.

Submissions (2):

Ambry Genetics
Classification: Uncertain significance for Inborn genetic diseases. Last evaluated: 2025-10-28. Review status: criteria provided, single submitter. Criteria: Ambry Variant Classification Scheme 2023. Collection method: clinical testing. Allele origin: germline.

Labcorp Genetics (formerly Invitae), Labcorp
Classification: Uncertain significance. Last evaluated: 2022-07-06. Review status: criteria provided, single submitter. Criteria: Invitae Variant Classification Sherloc (09022015). Collection method: clinical testing. Allele origin: germline.
Comment: This sequence change replaces glycine, which is neutral and non-polar, with valine, which is neutral and non-polar, at codon 1151 of the PTPN23 protein (p.Gly1151Val). This variant is not present in population databases (gnomAD no frequency). This variant has not been reported in the literature in individuals affected with PTPN23-related conditions. Algorithms developed to predict the effect of missense changes on protein structure and function are either unavailable or do not agree on the potential impact of this missense change (SIFT: "Deleterious"; PolyPhen-2: "Probably Damaging"; Align-GVGD: "Class C0"). Algorithms developed to predict the effect of sequence changes on RNA splicing suggest that this variant may create or strengthen a splice site. In summary, the available evidence is currently insufficient to determine the role of this variant in disease. Therefore, it has been classified as a Variant of Uncertain Significance.